The following is an entry in ClinVar:

ClinVar aggregate classification (germline): Conflicting classifications of pathogenicity. Review status: criteria provided, conflicting classifications (1 of 4 stars). 11 submissions from 11 submitters: Uncertain significance (2); Benign (6). 3 of the submissions do not count toward it. Last evaluated 2026-02-03.

Conditions:
Cardiomyopathy (CMYO). Also called: Cardiomyopathies. Identifiers: Orphanet 167848, MedGen C0878544, MONDO:0004994, HP:0001638. Inheritance: Various modes of inheritance.
Hypertrophic cardiomyopathy. Also called: HYPERTROPHIC MYOCARDIOPATHY. Identifiers: Orphanet 217569, MedGen C0007194, MeSH D002312, MONDO:0005045, HP:0001639.
Cardiovascular phenotype. Identifiers: MedGen CN230736.
Dilated cardiomyopathy 1JJ (CMD1JJ). Identifiers: Orphanet 154, MedGen C3808935, MONDO:0014095, OMIM 615235.

Allele frequency attached by ClinVar (database versions not stated): ExAC 0.00276; TOPMed 0.00181; 1000 Genomes Project 30x 0.00234; 1000 Genomes Project 0.00260; gnomAD 0.00093 and 0.00119; gnomAD exomes 0.00314.
gnomAD v4.1: 2,003 of 1,613,914 alleles (0.12%); highest among the groups gnomAD compares: East Asian, 2.7%; 33 homozygotes.

Submissions (11):

Labcorp Genetics (formerly Invitae), Labcorp
Classification: Benign for Dilated cardiomyopathy 1JJ. Last evaluated: 2026-02-03. Review status: criteria provided, single submitter. Criteria: Invitae Variant Classification Sherloc (09022015). Collection method: clinical testing. Allele origin: germline.

ARUP Laboratories, Molecular Genetics and Genomics, ARUP Laboratories
Classification: Benign for Dilated cardiomyopathy 1JJ. Last evaluated: 2023-11-11. Review status: criteria provided, single submitter. Criteria: ARUP Molecular Germline Variant Investigation Process 2024. Collection method: clinical testing. Allele origin: germline.

Center for Advanced Laboratory Medicine, UC San Diego Health, University of California San Diego
Classification: Benign for Cardiomyopathy; Hypertrophic cardiomyopathy. Last evaluated: 2018-12-13. Review status: criteria provided, single submitter. Criteria: ACMG Guidelines, 2015. Collection method: clinical testing. Allele origin: germline. Affected: yes. Observed: 3 variant alleles.

Ambry Genetics
Classification: Benign for Cardiovascular phenotype. Last evaluated: 2016-05-14. Review status: criteria provided, single submitter. Criteria: Ambry Variant Classification Scheme 2023. Collection method: clinical testing. Allele origin: germline.

Laboratory for Molecular Medicine, Mass General Brigham Personalized Medicine
Classification: Benign. Last evaluated: 2015-10-22. Review status: criteria provided, single submitter. Criteria: LMM Criteria. Collection method: clinical testing. Allele origin: germline. Observed: 4 variant alleles.
Comment: p.Leu485His in exon 12 of LAMA4: This variant is not expected to have clinical s ignificance because it has been identified in 1.6% (189/11562) of Latino chromos omes by the Exome Aggregation Consortium (ExAC; dbSNP rs3752579).

Stanford Center for Inherited Cardiovascular Disease, Stanford University
Classification: Uncertain significance. Last evaluated: 2015-07-24. Review status: criteria provided, single submitter. Criteria: ACMG Guidelines, 2015. Collection method: provider interpretation. Allele origin: germline.

GeneDx
Classification: Benign. Last evaluated: 2015-04-08. Review status: criteria provided, single submitter. Criteria: GeneDx Variant Classification (06012015). Collection method: clinical testing. Allele origin: germline. Affected: yes.
Comment: This variant is considered likely benign or benign based on one or more of the following criteria: it is a conservative change, it occurs at a poorly conserved position in the protein, it is predicted to be benign by multiple in silico algorithms, and/or has population frequency not consistent with disease.

Biesecker Lab/Clinical Genomics Section, National Institutes of Health
Classification: Uncertain significance. Last evaluated: 2013-06-24. Review status: criteria provided, single submitter. Criteria: Ng et al. (Circ Cardiovasc Genet. 2013). Collection method: research. Allele origin: unknown. Observed: 1 variant allele. Study: ClinSeq.
Comment: The study set was not selected for affection status in relation to any cancer. Pathogenicity categories were based on literature curation. See Pubmed ID:23861362 for details.

Medical sequencing

Clinical Genetics, Academic Medical Center
Classification: Benign. Review status: no assertion criteria provided. Collection method: clinical testing. Allele origin: germline. Affected: yes. Study: VKGL Data-share Consensus. Not counted in ClinVar's aggregate classification.

Diagnostic Laboratory, Department of Genetics, University Medical Center Groningen
Classification: Benign. Review status: no assertion criteria provided. Collection method: clinical testing. Allele origin: germline. Affected: yes. Study: VKGL Data-share Consensus. Not counted in ClinVar's aggregate classification.

Joint Genome Diagnostic Labs from Nijmegen and Maastricht, Radboudumc and MUMC+
Classification: Benign. Review status: no assertion criteria provided. Collection method: clinical testing. Allele origin: germline. Affected: yes. Study: VKGL Data-share Consensus. Not counted in ClinVar's aggregate classification.

NM_001105206.3(LAMA4):c.1475T>A (p.Leu492His)

Gene: LAMA4 (laminin subunit alpha 4; minus strand). Cytogenetic location: 6q21.
Variant type: single nucleotide variant.
Coding change: c.1475T>A on transcript NM_001105206.3 (MANE Select); coding-DNA position 1475, T replaced by A.
Protein change: p.Leu492His; replaces leucine 492 with histidine.
Molecular consequence: missense variant.
Genome position (GRCh38, 1-based): chr6:112,172,687, A>T on the plus strand (T>A on the coding strand, the complement: LAMA4 is on the minus strand). VCF-style: chr6-112172687-A-T. GRCh37 (hg19) VCF-style: chr6-112493889-A-T.
Other names: p.L485H:CTT>CAT; c.1454T>A, p.Leu485His (NM_001105207.3, NM_002290.5); short protein forms L485H, L492H.
Identifiers: ClinVar variation 44347 (VCV000044347.34), dbSNP rs3752579, ClinGen allele CA237274.